The following is an entry in ClinVar:

NM_006939.4(SOS2):c.3443C>G (p.Pro1148Arg)

Gene: SOS2 (SOS Ras/Rho guanine nucleotide exchange factor 2; minus strand). Cytogenetic location: 14q21.3.
Variant type: single nucleotide variant.
Coding change: c.3443C>G on transcript NM_006939.4 (MANE Select); coding-DNA position 3443, C replaced by G.
Protein change: p.Pro1148Arg; replaces proline 1148 with arginine.
Molecular consequence: missense variant.
Genome position (GRCh38, 1-based): chr14:50,120,321, G>C on the plus strand (C>G on the coding strand, the complement: SOS2 is on the minus strand). VCF-style: chr14-50120321-G-C. GRCh37 (hg19) VCF-style: chr14-50587039-G-C.
Other names: c.3443C>G (NM_006939.2); short protein forms P1148R.
Identifiers: ClinVar variation 1392717 (VCV001392717.9), dbSNP rs1375287247, ClinGen allele CA389639161.

ClinVar aggregate classification (germline): Uncertain significance. Review status: criteria provided, multiple submitters, no conflicts (2 of 4 stars). 2 submissions from 2 submitters: Uncertain significance (2). Last evaluated 2024-04-24.

Conditions:
Noonan syndrome 9 (NS9). Identifiers: Orphanet 648, MedGen C4225282, MONDO:0014691, OMIM 616559.
Cardiovascular phenotype. Identifiers: MedGen CN230736.

Allele frequency attached by ClinVar (database versions not stated): gnomAD exomes below 0.00001; TOPMed 0.00002.
gnomAD v4.1: 2 of 1,607,430 alleles (0.00012%); highest among the groups gnomAD compares: Non-Finnish European, 0.00017%; no homozygotes.

Submissions (2):

Labcorp Genetics (formerly Invitae), Labcorp
Classification: Uncertain significance for Noonan syndrome 9. Last evaluated: 2024-04-24. Review status: criteria provided, single submitter. Criteria: Invitae Variant Classification Sherloc (09022015). Collection method: clinical testing. Allele origin: germline.
Comment: This sequence change replaces proline, which is neutral and non-polar, with arginine, which is basic and polar, at codon 1148 of the SOS2 protein (p.Pro1148Arg). This variant is not present in population databases (gnomAD no frequency). This variant has not been reported in the literature in individuals affected with SOS2-related conditions. ClinVar contains an entry for this variant (Variation ID: 1392717). Advanced modeling of protein sequence and biophysical properties (such as structural, functional, and spatial information, amino acid conservation, physicochemical variation, residue mobility, and thermodynamic stability) performed at Invitae indicates that this missense variant is not expected to disrupt SOS2 protein function with a negative predictive value of 80%. In summary, the available evidence is currently insufficient to determine the role of this variant in disease. Therefore, it has been classified as a Variant of Uncertain Significance.

Ambry Genetics
Classification: Uncertain significance for Cardiovascular phenotype. Last evaluated: 2022-11-15. Review status: criteria provided, single submitter. Criteria: Ambry Variant Classification Scheme 2023. Collection method: clinical testing. Allele origin: germline.
Comment: The p.P1148R variant (also known as c.3443C>G), located in coding exon 22 of the SOS2 gene, results from a C to G substitution at nucleotide position 3443. The proline at codon 1148 is replaced by arginine, an amino acid with dissimilar properties. This amino acid position is conserved. In addition, this alteration is predicted to be deleterious by in silico analysis. Since supporting evidence is limited at this time, the clinical significance of this alteration remains unclear.